The following is an entry in ClinVar:

NM_004086.3(COCH):c.82+88C>T

Gene: COCH (cochlin; plus strand). Cytogenetic location: 14q12.
Variant type: single nucleotide variant.
Coding change: c.82+88C>T on transcript NM_004086.3 (MANE Select); 88 bases into the intron after coding-DNA position 82, C replaced by T.
Molecular consequence: intron variant. On other transcripts: missense variant (1).
Genome position (GRCh38, 1-based): chr14:30,875,191, C>T. VCF-style: chr14-30875191-C-T. GRCh37 (hg19) VCF-style: chr14-31344397-C-T.
Other names: c.170C>T, p.Ala57Val (NM_001347720.2); c.82+88C>T (NM_001135058.2); short protein forms A57V.
Identifiers: ClinVar variation 3055531 (VCV003055531.3), dbSNP rs56946687, ClinGen allele CA258531478.

ClinVar aggregate classification (germline): Likely benign. Review status: criteria provided, single submitter (1 of 4 stars). 2 submissions from 2 submitters: Likely benign (1). 1 of the submissions does not count toward it. Last evaluated 2024-11-19.

Conditions:
COCH-related disorder. Also called: COCH-related condition.

Allele frequency attached by ClinVar (database versions not stated): gnomAD exomes 0.00066; gnomAD 0.00105; TOPMed 0.00133; 1000 Genomes Project 30x 0.00547; 1000 Genomes Project 0.00599.
gnomAD v4.1: 1,072 of 1,518,400 alleles (0.071%); highest among the groups gnomAD compares: East Asian, 2.3%; 9 homozygotes.

Submissions (2):

Blueprint Genetics
Classification: Likely benign. Last evaluated: 2024-11-19. Review status: criteria provided, single submitter. Criteria: ACMG Guidelines, 2015. Collection method: clinical testing. Allele origin: germline.

PreventionGenetics, part of Exact Sciences
Classification: Benign for COCH-related condition. Last evaluated: 2019-04-05. Review status: no assertion criteria provided. Collection method: clinical testing. Allele origin: germline. Not counted in ClinVar's aggregate classification.
Comment: This variant is classified as benign based on ACMG/AMP sequence variant interpretation guidelines (Richards et al. 2015 PMID: 25741868, with internal and published modifications).